The following is an entry in ClinVar:

ClinVar aggregate classification (germline): Likely benign. Review status: criteria provided, multiple submitters, no conflicts (2 of 4 stars). 4 submissions from 4 submitters: Likely benign (3). 1 of the submissions does not count toward it. Last evaluated 2025-09-10.

Conditions:
Developmental and epileptic encephalopathy, 33 (DEE33). Also called: Epileptic encephalopathy, early infantile, 33. Identifiers: Orphanet 442835, MedGen C4225337, MONDO:0014625, OMIM 616409.
Inborn genetic diseases. Identifiers: MedGen C0950123, MeSH D030342.
EEF1A2-related disorder. Also called: EEF1A2-related condition; EEF1A2-related disorders.

Allele frequency attached by ClinVar (database versions not stated): gnomAD exomes 0.00002; 1000 Genomes Project 30x 0.00016; 1000 Genomes Project 0.00020; TOPMed below 0.00001; gnomAD 0.00001; ExAC 0.00002.
gnomAD v4.1: 10 of 1,599,818 alleles (0.00063%); highest among the groups gnomAD compares: East Asian, 0.0067%; 1 homozygote.

Submissions (4):

Labcorp Genetics (formerly Invitae), Labcorp
Classification: Likely benign for Developmental and epileptic encephalopathy, 33. Last evaluated: 2025-09-10. Review status: criteria provided, single submitter. Criteria: Invitae Variant Classification Sherloc (09022015). Collection method: clinical testing. Allele origin: germline.

Ambry Genetics
Classification: Likely benign for Inborn genetic diseases. Last evaluated: 2017-10-27. Review status: criteria provided, single submitter. Criteria: Ambry Variant Classification Scheme 2023. Collection method: clinical testing. Allele origin: germline.

GeneDx
Classification: Likely benign. Last evaluated: 2016-03-29. Review status: criteria provided, single submitter. Criteria: GeneDx Variant Classification (06012015). Collection method: clinical testing. Allele origin: germline. Affected: yes.
Comment: This variant is considered likely benign or benign based on one or more of the following criteria: it is a conservative change, it occurs at a poorly conserved position in the protein, it is predicted to be benign by multiple in silico algorithms, and/or has population frequency not consistent with disease.

PreventionGenetics, part of Exact Sciences
Classification: Likely benign for EEF1A2-related condition. Last evaluated: 2021-06-23. Review status: no assertion criteria provided. Collection method: clinical testing. Allele origin: germline. Not counted in ClinVar's aggregate classification.
Comment: This variant is classified as likely benign based on ACMG/AMP sequence variant interpretation guidelines (Richards et al. 2015 PMID: 25741868, with internal and published modifications).

NM_001958.5(EEF1A2):c.783G>A (p.Thr261=)

Gene: EEF1A2 (eukaryotic translation elongation factor 1 alpha 2; minus strand). Cytogenetic location: 20q13.33.
Variant type: single nucleotide variant.
Coding change: c.783G>A on transcript NM_001958.5 (MANE Select); coding-DNA position 783, G replaced by A.
Protein change: p.Thr261=; no amino-acid change (threonine 261 retained).
Molecular consequence: synonymous variant.
Genome position (GRCh38, 1-based): chr20:63,490,725, C>T on the plus strand (G>A on the coding strand, the complement: EEF1A2 is on the minus strand). VCF-style: chr20-63490725-C-T. GRCh37 (hg19) VCF-style: chr20-62122078-C-T.
Identifiers: ClinVar variation 384829 (VCV000384829.10), dbSNP rs370695849, ClinGen allele CA9959019.